The following is an entry in ClinVar:

NM_000143.4(FH):c.901A>G (p.Thr301Ala)

Gene: FH (fumarate hydratase; minus strand). Cytogenetic location: 1q43.
Variant type: single nucleotide variant.
Coding change: c.901A>G on transcript NM_000143.4 (MANE Select); coding-DNA position 901, A replaced by G.
Protein change: p.Thr301Ala; replaces threonine 301 with alanine.
Molecular consequence: missense variant.
Genome position (GRCh38, 1-based): chr1:241,506,006, T>C on the plus strand (A>G on the coding strand, the complement: FH is on the minus strand). VCF-style: chr1-241506006-T-C. GRCh37 (hg19) VCF-style: chr1-241669306-T-C.
Other names: short protein forms T301A.
Identifiers: ClinVar variation 1314234 (VCV001314234.4), dbSNP rs1659918863, ClinGen allele CA345438767.

ClinVar aggregate classification (germline): Uncertain significance. Review status: criteria provided, multiple submitters, no conflicts (2 of 4 stars). 2 submissions from 2 submitters: Uncertain significance (2). Last evaluated 2024-11-27.

Allele frequency attached by ClinVar (database versions not stated): gnomAD exomes below 0.00001.
gnomAD v4.1: 3 of 1,613,924 alleles (0.00019%); highest among the groups gnomAD compares: Non-Finnish European, 0.00017%; no homozygotes.

Submissions (2):

Labcorp Genetics (formerly Invitae), Labcorp
Classification: Uncertain significance. Last evaluated: 2024-11-27. Review status: criteria provided, single submitter. Criteria: Invitae Variant Classification Sherloc (09022015). Collection method: clinical testing. Allele origin: germline.
Comment: This sequence change replaces threonine, which is neutral and polar, with alanine, which is neutral and non-polar, at codon 301 of the FH protein (p.Thr301Ala). This variant is not present in population databases (gnomAD no frequency). This variant has not been reported in the literature in individuals affected with FH-related conditions. ClinVar contains an entry for this variant (Variation ID: 1314234). Invitae Evidence Modeling of protein sequence and biophysical properties (such as structural, functional, and spatial information, amino acid conservation, physicochemical variation, residue mobility, and thermodynamic stability) indicates that this missense variant is expected to disrupt FH protein function with a positive predictive value of 80%. In summary, the available evidence is currently insufficient to determine the role of this variant in disease. Therefore, it has been classified as a Variant of Uncertain Significance.

GeneDx
Classification: Uncertain significance. Last evaluated: 2021-03-25. Review status: criteria provided, single submitter. Criteria: GeneDx Variant Classification Process June 2021. Collection method: clinical testing. Allele origin: germline. Affected: yes.
Comment: Not observed in large population cohorts (Lek 2016); In silico analysis supports that this missense variant has a deleterious effect on protein structure/function; Has not been previously published as pathogenic or benign to our knowledge